The following is an entry in ClinVar:

NM_017986.4(SLC52A1):c.510C>T (p.Leu170=)

Gene: SLC52A1 (solute carrier family 52 member 1; minus strand). Cytogenetic location: 17p13.2.
Variant type: single nucleotide variant.
Coding change: c.510C>T on transcript NM_017986.4 (MANE Select); coding-DNA position 510, C replaced by T.
Protein change: p.Leu170=; no amino-acid change (leucine 170 retained).
Molecular consequence: synonymous variant.
Genome position (GRCh38, 1-based): chr17:5,033,979, G>A on the plus strand (C>T on the coding strand, the complement: SLC52A1 is on the minus strand). VCF-style: chr17-5033979-G-A. GRCh37 (hg19) VCF-style: chr17-4937274-G-A.
Other names: c.510C>T (NM_001104577.1); c.510C>T, p.Leu170= (NM_001104577.2).
Identifiers: ClinVar variation 711184 (VCV000711184.31), dbSNP rs144716094, ClinGen allele CA8319775.

ClinVar aggregate classification (germline): Benign/Likely benign. Review status: criteria provided, multiple submitters, no conflicts (2 of 4 stars). 3 submissions from 3 submitters: Benign (1); Likely benign (1). 1 of the submissions does not count toward it. Last evaluated 2026-01-27.

Conditions:
Vitamin B2 deficiency. Identifiers: MedGen C0035528.
SLC52A1-related disorder. Also called: SLC52A1-related condition.

Allele frequency attached by ClinVar (database versions not stated): 1000 Genomes Project 30x 0.00016; 1000 Genomes Project 0.00020; gnomAD exomes 0.00096 and 0.00140; TOPMed 0.00098; ExAC 0.00108; gnomAD 0.00115 and 0.00120; ESP Exome Variant Server 0.00154.
gnomAD v4.1: 2,177 of 1,614,066 alleles (0.13%); highest among the groups gnomAD compares: Non-Finnish European, 0.17%; 4 homozygotes.

Submissions (3):

Labcorp Genetics (formerly Invitae), Labcorp
Classification: Benign for Vitamin B2 deficiency. Last evaluated: 2026-01-27. Review status: criteria provided, single submitter. Criteria: Invitae Variant Classification Sherloc (09022015). Collection method: clinical testing. Allele origin: germline.

CeGaT Center for Human Genetics Tuebingen
Classification: Likely benign. Last evaluated: 2025-12-01. Review status: criteria provided, single submitter. Criteria: CeGaT Center For Human Genetics Tuebingen Variant Classification Criteria Version 2. Collection method: clinical testing. Allele origin: germline. Affected: yes. Observed: 3 variant alleles.
Comment: SLC52A1: BP4, BP7

PreventionGenetics, part of Exact Sciences
Classification: Likely benign for SLC52A1-related condition. Last evaluated: 2024-07-08. Review status: no assertion criteria provided. Collection method: clinical testing. Allele origin: germline. Not counted in ClinVar's aggregate classification.
Comment: This variant is classified as likely benign based on ACMG/AMP sequence variant interpretation guidelines (Richards et al. 2015 PMID: 25741868, with internal and published modifications).